The following is an entry in ClinVar:

NM_004655.4(AXIN2):c.1543CAC[4] (p.His517dup)

Gene: AXIN2 (axin 2; minus strand). Cytogenetic location: 17q24.1.
Variant type: Microsatellite.
Coding change: c.1543CAC[4] on transcript NM_004655.4 (MANE Select); four copies in a row of the 3-base unit CAC starting at c.1543; the reference has three copies in a row; one copy, 3 bases duplicated.
Protein change: p.His517dup; duplicates histidine 517.
Molecular consequence: inframe insertion.
Genome position (GRCh38, 1-based): chr17:65,537,485-65,537,487, GTG duplicated on the plus strand (CAC on the coding strand, the reverse complement: AXIN2 is on the minus strand); duplicating any 3 consecutive bases within chr17:65,537,485-65,537,494 gives the same sequence; the position shown is the placement nearest the transcript's 3' end. VCF-style (leftmost placement, unchanged base first): chr17-65537484-A-AGTG. GRCh37 (hg19) VCF-style: chr17-63533602-A-AGTG.
Other names: c.1543CAC[4], p.His517dup (NM_001363813.1).
Identifiers: ClinVar variation 1386297 (VCV001386297.6), dbSNP rs2144459757, ClinGen allele CA2580613224.

ClinVar aggregate classification (germline): Uncertain significance (1 of 4 stars; one submission).

Conditions:
Oligodontia-cancer predisposition syndrome. Also called: TOOTH AGENESIS-COLORECTAL CANCER SYNDROME. Identifiers: Orphanet 300576, MedGen C1837750, MONDO:0012075, OMIM 608615. Disease mechanism: loss of function.

Submission:

Labcorp Genetics (formerly Invitae), Labcorp
Classification: Uncertain significance for Oligodontia-cancer predisposition syndrome. Last evaluated: 2022-08-23. Review status: criteria provided, single submitter. Criteria: Invitae Variant Classification Sherloc (09022015). Collection method: clinical testing. Allele origin: germline.
Comment: In summary, the available evidence is currently insufficient to determine the role of this variant in disease. Therefore, it has been classified as a Variant of Uncertain Significance. Experimental studies and prediction algorithms are not available or were not evaluated, and the functional significance of this variant is currently unknown. This variant has not been reported in the literature in individuals affected with AXIN2-related conditions. This variant is not present in population databases (gnomAD no frequency). This variant, c.1549_1551dup, results in the insertion of 1 amino acid(s) of the AXIN2 protein (p.His517dup), but otherwise preserves the integrity of the reading frame.